The following is an entry in ClinVar:

NM_001042492.3(NF1):c.3419C>G (p.Ser1140Ter)

Gene: NF1 (neurofibromin 1; plus strand). Cytogenetic location: 17q11.2.
Variant type: single nucleotide variant.
Coding change: c.3419C>G on transcript NM_001042492.3 (MANE Select); coding-DNA position 3419, C replaced by G.
Protein change: p.Ser1140Ter; replaces serine 1140 with a stop codon.
Molecular consequence: nonsense.
Genome position (GRCh38, 1-based): chr17:31,232,804, C>G. VCF-style: chr17-31232804-C-G. GRCh37 (hg19) VCF-style: chr17-29559822-C-G.
Other names: c.3419C>G, p.Ser1140Ter (NM_000267.4); short protein forms S1140*.
Identifiers: ClinVar variation 4796679 (VCV004796679.2).

ClinVar aggregate classification (germline): Pathogenic. Review status: criteria provided, multiple submitters, no conflicts (2 of 4 stars). 2 submissions from 2 submitters: Pathogenic (2). Last evaluated 2026-04-06.

Conditions:
Neurofibromatosis, type 1 (NF1). Also called: NEUROFIBROMATOSIS, TYPE I, SOMATIC; Peripheral type neurofibromatosis; VON RECKLINGHAUSEN DISEASE; Neurofibromatosis, type I. Identifiers: Orphanet 636, MedGen C0027831, MONDO:0018975, OMIM 162200. Disease mechanism: loss of function.
Hereditary cancer-predisposing syndrome. Also called: Hereditary neoplastic syndrome; Neoplastic Syndromes, Hereditary; Tumor predisposition; Hereditary Cancer Syndrome. Identifiers: Orphanet 140162, MedGen C0027672, MeSH D009386, MONDO:0015356.
Cardiovascular phenotype. Identifiers: MedGen CN230736.

Submissions (2):

Ambry Genetics
Classification: Pathogenic for Cardiovascular phenotype; Hereditary cancer-predisposing syndrome. Last evaluated: 2026-04-06. Review status: criteria provided, single submitter. Criteria: Ambry Variant Classification Scheme 2023. Collection method: clinical testing. Allele origin: germline.
Comment: The p.S1140* pathogenic mutation (also known as c.3419C>G), located in coding exon 26 of the NF1 gene, results from a C to G substitution at nucleotide position 3419. This changes the amino acid from a serine to a stop codon within coding exon 26. This variant was reported in individuals with features consistent with Neurofibromatosis type 1 (Ars E et al. J Med Genet, 2003 Jun;40:e82; Ambry internal data). This variant is considered to be rare based on population cohorts in the Genome Aggregation Database (gnomAD). This alteration is expected to result in loss of function by premature protein truncation or nonsense-mediated mRNA decay. As such, this alteration is interpreted as a disease-causing mutation.

NHS Central & South Genomic Laboratory Hub
Classification: Pathogenic for Neurofibromatosis type 1. Last evaluated: 2026-02-26. Review status: criteria provided, single submitter. Criteria: ACMG Guidelines, 2015. Collection method: clinical testing. Allele origin: germline. Affected: yes.

Literature cited by the submitters: PubMed 12807981 (cited by Ambry Genetics).